The following is an entry in ClinVar:

ClinVar aggregate classification (germline): Uncertain significance (1 of 4 stars; one submission).

Conditions:
RASopathy. Also called: rasopathies; Noonan spectrum disorder. Identifiers: Orphanet 536391, MedGen C5555857, MONDO:0021060.

Submission:

Labcorp Genetics (formerly Invitae), Labcorp
Classification: Uncertain significance for RASopathy. Last evaluated: 2025-05-27. Review status: criteria provided, single submitter. Criteria: Invitae Variant Classification Sherloc (09022015). Collection method: clinical testing. Allele origin: germline.
Comment: This sequence change replaces alanine, which is neutral and non-polar, with valine, which is neutral and non-polar, at codon 232 of the SHOC2 protein (p.Ala232Val). This variant is not present in population databases (gnomAD no frequency). This variant has not been reported in the literature in individuals affected with SHOC2-related conditions. Invitae Evidence Modeling of protein sequence and biophysical properties (such as structural, functional, and spatial information, amino acid conservation, physicochemical variation, residue mobility, and thermodynamic stability) indicates that this missense variant is not expected to disrupt SHOC2 protein function with a negative predictive value of 80%. In summary, the available evidence is currently insufficient to determine the role of this variant in disease. Therefore, it has been classified as a Variant of Uncertain Significance.

NM_007373.4(SHOC2):c.695C>T (p.Ala232Val)

Gene: SHOC2 (SHOC2 leucine rich repeat scaffold protein; plus strand). Cytogenetic location: 10q25.2.
Variant type: single nucleotide variant.
Coding change: c.695C>T on transcript NM_007373.4 (MANE Select); coding-DNA position 695, C replaced by T.
Protein change: p.Ala232Val; replaces alanine 232 with valine.
Molecular consequence: missense variant. On other transcripts: 5 prime UTR variant (1), non-coding transcript variant (1), intron variant (3).
Genome position (GRCh38, 1-based): chr10:110,965,053, C>T. VCF-style: chr10-110965053-C-T. GRCh37 (hg19) VCF-style: chr10-112724811-C-T.
Other names: c.695C>T, p.Ala232Val (NM_001269039.3, NM_001324336.2, NM_001324337.2 and 4 more transcripts); c.-92C>T (NM_001441188.1); c.-380-20575C>T (NM_001441190.1); c.-249-20575C>T (NM_001441191.1); c.-242-35362C>T (NM_001441189.1); short protein forms A232V.
Identifiers: ClinVar variation 4753561 (VCV004753561.1).